The following is an entry in ClinVar:

ClinVar aggregate classification (germline): Uncertain significance. Review status: criteria provided, multiple submitters, no conflicts (2 of 4 stars). 2 submissions from 2 submitters: Uncertain significance (2). Last evaluated 2022-12-10.

Conditions:
Hereditary cancer-predisposing syndrome. Also called: Tumor predisposition; Neoplastic Syndromes, Hereditary; Hereditary Cancer Syndrome; Hereditary neoplastic syndrome. Identifiers: Orphanet 140162, MedGen C0027672, MeSH D009386, MONDO:0015356.
Rhabdoid tumor predisposition syndrome 2 (RTPS2). Identifiers: Orphanet 231108, Orphanet 69077, MedGen C2750074, MONDO:0013224, OMIM 613325.

gnomAD v4.1: 1 of 1,614,096 alleles (0.000062%); no homozygotes.

Submissions (2):

Labcorp Genetics (formerly Invitae), Labcorp
Classification: Uncertain significance for Rhabdoid tumor predisposition syndrome 2. Last evaluated: 2022-12-10. Review status: criteria provided, single submitter. Criteria: Invitae Variant Classification Sherloc (09022015). Collection method: clinical testing. Allele origin: germline.
Comment: This sequence change replaces alanine, which is neutral and non-polar, with proline, which is neutral and non-polar, at codon 1078 of the SMARCA4 protein (p.Ala1078Pro). This variant is not present in population databases (gnomAD no frequency). This variant has not been reported in the literature in individuals affected with SMARCA4-related conditions. ClinVar contains an entry for this variant (Variation ID: 1729211). Advanced modeling of protein sequence and biophysical properties (such as structural, functional, and spatial information, amino acid conservation, physicochemical variation, residue mobility, and thermodynamic stability) performed at Invitae indicates that this missense variant is expected to disrupt SMARCA4 protein function. In summary, the available evidence is currently insufficient to determine the role of this variant in disease. Therefore, it has been classified as a Variant of Uncertain Significance.

Ambry Genetics
Classification: Uncertain significance for Hereditary cancer-predisposing syndrome. Last evaluated: 2022-10-19. Review status: criteria provided, single submitter. Criteria: Ambry Variant Classification Scheme 2023. Collection method: clinical testing. Allele origin: germline.
Comment: The p.A1078P variant (also known as c.3232G>C), located in coding exon 23 of the SMARCA4 gene, results from a G to C substitution at nucleotide position 3232. The alanine at codon 1078 is replaced by proline, an amino acid with highly similar properties. This amino acid position is highly conserved in available vertebrate species. In addition, this alteration is predicted to be deleterious by in silico analysis. Missense and in-frame variants in SMARCA4 are known to cause neurodevelopmental disorders; however, such associations with rhabdoid tumor predisposition syndrome including small cell carcinoma of the ovary-hypercalcemic type (SCCOHT) are exceedingly rare (Kosho T et al. Am J Med Genet C Semin Med Genet. 2014 Sep;166C(3):262-75; Jelinic P et al. Nat Genet. 2014 May;46(5):424-6). Since supporting evidence is limited at this time, the clinical significance of this alteration remains unclear.

NM_003072.5(SMARCA4):c.3232G>C (p.Ala1078Pro)

Gene: SMARCA4 (SWI/SNF related BAF chromatin remodeling complex subunit ATPase 4; plus strand). Cytogenetic location: 19p13.2.
Variant type: single nucleotide variant.
Coding change: c.3232G>C on transcript NM_003072.5 (MANE Select); coding-DNA position 3232, G replaced by C.
Protein change: p.Ala1078Pro; replaces alanine 1078 with proline.
Molecular consequence: missense variant. On other transcripts: non-coding transcript variant (1).
Genome position (GRCh38, 1-based): chr19:11,027,800, G>C. VCF-style: chr19-11027800-G-C. GRCh37 (hg19) VCF-style: chr19-11138476-G-C.
Other names: c.3232G>C, p.Ala1078Pro (NM_001128844.3, NM_001128845.2, NM_001128846.2 and 6 more transcripts); short protein forms A1078P.
Identifiers: ClinVar variation 1729211 (VCV001729211.5), dbSNP rs2146541688, ClinGen allele CA404061250.